The following is an entry in ClinVar:

ClinVar aggregate classification (germline): Likely benign (1 of 4 stars; one submission).

Allele frequency attached by ClinVar (database versions not stated): gnomAD 0.00249; 1000 Genomes Project 30x 0.00250; TOPMed 0.00262.
gnomAD v4.1: 2,087 of 1,588,970 alleles (0.13%); highest among the groups gnomAD compares: Middle Eastern, 0.81%; 34 homozygotes.

Submission:

CeGaT Center for Human Genetics Tuebingen
Classification: Likely benign. Last evaluated: 2025-04-01. Review status: criteria provided, single submitter. Criteria: CeGaT Center For Human Genetics Tuebingen Variant Classification Criteria Version 2. Collection method: clinical testing. Allele origin: germline. Affected: yes. Observed: 3 variant alleles.
Comment: ANKRD36: BS2

NM_001354587.1(ANKRD36):c.13A>G (p.Lys5Glu)

Genes: ANKRD36 (ankyrin repeat domain 36; plus strand), LOC129934384 (ATAC-STARR-seq lymphoblastoid active region 16237; plus strand). Cytogenetic location: 2q11.2.
Variant type: single nucleotide variant.
Coding change: c.13A>G on transcript NM_001354587.1 (MANE Select); coding-DNA position 13, A replaced by G.
Protein change: p.Lys5Glu; replaces lysine 5 with glutamic acid.
Molecular consequence: missense variant.
Genome position (GRCh38, 1-based): chr2:97,113,752, A>G. VCF-style: chr2-97113752-A-G. GRCh37 (hg19) VCF-style: chr2-97779489-A-G.
Other names: c.13A>G, p.Lys5Glu (NM_198555.4); short protein forms K5E.
Identifiers: ClinVar variation 2651157 (VCV002651157.24), dbSNP rs774044606, ClinGen allele CA1786421.